The following is an entry in ClinVar:

NM_000182.5(HADHA):c.1250dup (p.Thr418fs)

Genes: GAREM2 (GRB2 associated regulator of MAPK1 subtype 2; plus strand), HADHA (hydroxyacyl-CoA dehydrogenase trifunctional multienzyme complex subunit alpha; minus strand). Cytogenetic location: 2p23.3.
Variant type: Duplication.
Coding change: c.1250dup on transcript NM_000182.5 (MANE Select); coding-DNA position 1250, one base duplicated (T; older notation c.1250dupT).
Protein change: p.Thr418fs; shifts the reading frame from threonine 418.
Molecular consequence: frameshift variant.
Genome position (GRCh38, 1-based): chr2:26,201,291, A duplicated on the plus strand (T on the coding strand, the reverse complement: HADHA is on the minus strand). VCF-style (leftmost placement, unchanged base first): chr2-26201290-T-TA. GRCh37 (hg19) VCF-style: chr2-26424159-T-TA.
Other names: short protein forms T418fs.
Identifiers: ClinVar variation 4817867 (VCV004817867.1).

ClinVar aggregate classification (germline): Likely pathogenic (1 of 4 stars; one submission).

Conditions:
Long chain 3-hydroxyacyl-CoA dehydrogenase deficiency. Also called: Deficiency of long-chain 3-hydroxyacyl-coenzyme A dehydrogenase; LCHAD Deficiency. Identifiers: Orphanet 5, MedGen C3711645, MONDO:0012173, OMIM 609016.

Submission:

Natera, Inc.
Classification: Likely pathogenic for Deficiency of long-chain 3-hydroxyacyl-coenzyme A dehydrogenase. Last evaluated: 2024-11-10. Review status: criteria provided, single submitter. Criteria: Natera Variant Classification Schema (03/2026). Collection method: clinical testing. Allele origin: germline.
Comment: The c.1250dup variant in HADHA is a frameshift variant predicted to shift the reading frame beginning at codon 418 and leads to a stop codon 4 codons downstream. This variant is expected to result in nonsense mediated decay, truncation, or a dysfunctional protein product. This variant is rare in the general population with a frequency below the threshold expected for the associated phenotype(s). Given the available evidence, this variant is classified as Likely Pathogenic.